The following is an entry in ClinVar:

ClinVar aggregate classification (germline): Benign (1 of 4 stars; one submission).

Allele frequency attached by ClinVar (database versions not stated): 1000 Genomes Project 0.01717; 1000 Genomes Project 30x 0.01827; gnomAD 0.01912 and 0.02066; TOPMed 0.02181.

Submission:

GeneDx
Classification: Benign. Last evaluated: 2018-06-19. Review status: criteria provided, single submitter. Criteria: GeneDx Variant Classification (06012015). Collection method: clinical testing. Allele origin: germline. Affected: yes.
Comment: This variant is considered likely benign or benign based on one or more of the following criteria: it is a conservative change, it occurs at a poorly conserved position in the protein, it is predicted to be benign by multiple in silico algorithms, and/or has population frequency not consistent with disease.

NM_006846.4(SPINK5):c.282+198_282+199del

Gene: SPINK5 (serine peptidase inhibitor Kazal type 5; plus strand). Cytogenetic location: 5q32.
Variant type: Deletion.
Coding change: c.282+198_282+199del on transcript NM_006846.4 (MANE Select); bases 198 to 199 of the intron after coding-DNA position 282, 2 bases deleted (TA; older notation c.282+198_282+199delTA).
Molecular consequence: intron variant.
Genome position (GRCh38, 1-based): chr5:148,072,418-148,072,419, TA deleted. VCF-style (leftmost placement, unchanged base first): chr5-148072417-CTA-C. GRCh37 (hg19) VCF-style: chr5-147451980-CTA-C.
Other names: c.282+198_282+199del (NM_001127698.2, NM_001127699.2); c.282+198_282+199delTA (NM_006846.3).
Identifiers: ClinVar variation 677109 (VCV000677109.1), dbSNP rs10606874, ClinGen allele CA129717768.